The following is an entry in ClinVar:

ClinVar aggregate classification (germline): Uncertain significance. Review status: criteria provided, multiple submitters, no conflicts (2 of 4 stars). 2 submissions from 2 submitters: Uncertain significance (2). Last evaluated 2024-06-03.

Conditions:
Pseudohypoparathyroidism type 1B (PHP1B). Also called: Pseudohypoparathyroidism Ib (PHP-Ib); PHP IB; Pseudohypoparathyroidism Type IB. Identifiers: Orphanet 94089, MedGen C1864100, MONDO:0011301, OMIM 603233.

Allele frequency attached by ClinVar (database versions not stated): ExAC 0.00002; gnomAD exomes 0.00003; gnomAD 0.00005; ESP Exome Variant Server 0.00008; TOPMed 0.00008.
gnomAD v4.1: 45 of 1,612,590 alleles (0.0028%); highest among the groups gnomAD compares: Middle Eastern, 0.23%; 1 homozygote.

Submissions (2):

Fulgent Genetics
Classification: Uncertain significance for Pseudohypoparathyroidism type 1B. Last evaluated: 2024-06-03. Review status: criteria provided, single submitter. Criteria: ACMG Guidelines, 2015. Collection method: clinical testing. Allele origin: germline.

Labcorp Genetics (formerly Invitae), Labcorp
Classification: Uncertain significance. Last evaluated: 2022-06-04. Review status: criteria provided, single submitter. Criteria: Invitae Variant Classification Sherloc (09022015). Collection method: clinical testing. Allele origin: germline.
Comment: This sequence change falls in intron 6 of the STX16 gene. It does not directly change the encoded amino acid sequence of the STX16 protein. It affects a nucleotide within the consensus splice site. This variant is present in population databases (rs370006614, gnomAD 0.009%). This variant has not been reported in the literature in individuals affected with STX16-related conditions. Variants that disrupt the consensus splice site are a relatively common cause of aberrant splicing (PMID: 17576681, 9536098). Algorithms developed to predict the effect of sequence changes on RNA splicing suggest that this variant is not likely to affect RNA splicing. In summary, the available evidence is currently insufficient to determine the role of this variant in disease. Therefore, it has been classified as a Variant of Uncertain Significance.

Literature cited by the submitters: PubMed 17576681 (cited by Labcorp Genetics (formerly Invitae), Labcorp); PubMed 9536098 (cited by Labcorp Genetics (formerly Invitae), Labcorp).

NM_001001433.3(STX16):c.648+4C>T

Genes: STX16 (syntaxin 16; plus strand), STX16-NPEPL1 (STX16-NPEPL1 readthrough (NMD candidate); plus strand). Cytogenetic location: 20q13.32.
Variant type: single nucleotide variant.
Coding change: c.648+4C>T on transcript NM_001001433.3 (MANE Select); 4 bases into the intron after coding-DNA position 648, C replaced by T.
Molecular consequence: intron variant.
Genome position (GRCh38, 1-based): chr20:58,670,607, C>T. VCF-style: chr20-58670607-C-T. GRCh37 (hg19) VCF-style: chr20-57245663-C-T.
Other names: c.636+4C>T (NM_001134772.3); c.597+4C>T (NM_001134773.3); c.585+4C>T (NM_003763.6); c.489+4C>T (NM_001204868.2).
Identifiers: ClinVar variation 1982729 (VCV001982729.5), dbSNP rs370006614, ClinGen allele CA9925384.